The following is an entry in ClinVar:

NM_003242.6(TGFBR2):c.1087A>G (p.Ser363Gly)

Gene: TGFBR2 (transforming growth factor beta receptor 2; plus strand). Cytogenetic location: 3p24.1.
Variant type: single nucleotide variant.
Coding change: c.1087A>G on transcript NM_003242.6 (MANE Select); coding-DNA position 1087, A replaced by G.
Protein change: p.Ser363Gly; replaces serine 363 with glycine.
Molecular consequence: missense variant.
Genome position (GRCh38, 1-based): chr3:30,672,270, A>G. VCF-style: chr3-30672270-A-G. GRCh37 (hg19) VCF-style: chr3-30713762-A-G.
Other names: c.1087A>G (NM_003242.5); c.1162A>G, p.Ser388Gly (NM_001024847.3); c.1270A>G, p.Ser424Gly (NM_001407126.1); c.1195A>G, p.Ser399Gly (NM_001407127.1); c.1114A>G, p.Ser372Gly (NM_001407128.1); c.1090A>G, p.Ser364Gly (NM_001407129.1); c.1087A>G, p.Ser363Gly (NM_001407130.1); c.982A>G, p.Ser328Gly (NM_001407132.1, NM_001407133.1, NM_001407134.1 and 2 more transcripts); and 2 more; short protein forms S363G, S388G, S243G, S268G, S372G, S364G, S424G, S328G.
Identifiers: ClinVar variation 1333752 (VCV001333752.5), dbSNP rs2125436087, ClinGen allele CA351808506.

ClinVar aggregate classification (germline): Uncertain significance. Review status: criteria provided, multiple submitters, no conflicts (2 of 4 stars). 4 submissions from 4 submitters: Uncertain significance (4). Last evaluated 2025-02-28.

Conditions:
Loeys-Dietz syndrome 2 (LDS2). Also called: Marfan Syndrome type 2; Marfan like connective tissue disorder; MFS 2; AORTIC ANEURYSM, FAMILIAL THORACIC 3; MARFAN SYNDROME, TYPE II; TGFBR2-Related Loeys-Dietz Syndrome. Identifiers: Orphanet 284973, Orphanet 558, MedGen C2674574, MONDO:0012427, OMIM 610168.
Familial thoracic aortic aneurysm and aortic dissection (TAAD). Also called: Thoracic aortic aneurysms and dissections. Identifiers: Orphanet 91387, MedGen C4707243, MONDO:0019625.

Allele frequency attached by ClinVar (database versions not stated): gnomAD exomes below 0.00001.
gnomAD v4.1: 1 of 1,604,618 alleles (0.000062%); highest among the groups gnomAD compares: Non-Finnish European, 0.000085%; no homozygotes.

Submissions (4):

GeneDx
Classification: Uncertain significance. Last evaluated: 2025-02-28. Review status: criteria provided, single submitter. Criteria: GeneDx Variant Classification Process June 2021. Collection method: clinical testing. Allele origin: germline. Affected: yes.
Comment: Not observed at significant frequency in large population cohorts (gnomAD); In silico analysis supports that this missense variant has a deleterious effect on protein structure/function; Has not been previously published as pathogenic or benign to our knowledge; This variant is associated with the following publications: (PMID: 35346344)

Ambry Genetics
Classification: Uncertain significance for Familial thoracic aortic aneurysm and aortic dissection. Last evaluated: 2024-10-01. Review status: criteria provided, single submitter. Criteria: Ambry Variant Classification Scheme 2023. Collection method: clinical testing. Allele origin: germline.

All of Us Research Program, National Institutes of Health
Classification: Uncertain significance for Loeys-Dietz syndrome 2. Last evaluated: 2024-09-23. Review status: criteria provided, single submitter. Criteria: ACMG Guidelines, 2015. Collection method: clinical testing. Allele origin: germline. Inheritance: Autosomal dominant inheritance. Observed: 1 variant allele, 1 heterozygote.
Comment: This study involves interpretation of variants in research participants for the purpose of population health screening. Participant phenotype was not available at the time of variant classification. Additional details can be found in publication PMID: 35346344, PMCID: PMC8962531

CENTOGENE GmbH and LLC - Guiding Precision Medicine
Classification: Uncertain significance for Loeys-Dietz syndrome 2. Last evaluated: 2020-06-25. Review status: criteria provided, single submitter. Criteria: ACMG Guidelines, 2015. Collection method: clinical testing. Allele origin: germline.